The following is an entry in ClinVar:

NM_013275.6(ANKRD11):c.6985G>A (p.Val2329Met)

Gene: ANKRD11 (ankyrin repeat domain 11; minus strand). Cytogenetic location: 16q24.3.
Variant type: single nucleotide variant.
Coding change: c.6985G>A on transcript NM_013275.6 (MANE Select); coding-DNA position 6985, G replaced by A.
Protein change: p.Val2329Met; replaces valine 2329 with methionine.
Molecular consequence: missense variant.
Genome position (GRCh38, 1-based): chr16:89,279,557, C>T on the plus strand (G>A on the coding strand, the complement: ANKRD11 is on the minus strand). VCF-style: chr16-89279557-C-T. GRCh37 (hg19) VCF-style: chr16-89345965-C-T.
Other names: c.6985G>A (NM_013275.4); c.6985G>A, p.Val2329Met (NM_001256182.2, NM_001256183.2); short protein forms V2329M.
Identifiers: ClinVar variation 943335 (VCV000943335.16), dbSNP rs760933701, ClinGen allele CA8241305.
Genomic context (GRCh38, chr16:89,279,557, plus strand): 5'-TGCTCTGGTTCGCGAGCATCTGCGCCCGGTTCCTGGTCATGCGCTGAGGGATCTCCTCCA[C>T]TCGGGGGGCCTTCGGGGCTTCGGCCGTGGGTTTTGGTTCTGCGGCTTCCGGCTGGATGCC-3'
Protein context (NP_037407.4, residues 2319-2339): PTAEAPKAPR[Val2329Met]EEIPQRMTRN

ClinVar aggregate classification (germline): Likely benign. Review status: criteria provided, multiple submitters, no conflicts (2 of 4 stars). 5 submissions from 5 submitters: Likely benign (4). 1 of the submissions does not count toward it. Last evaluated 2025-09-24.

Conditions:
ANKRD11-related disorder. Also called: ANKRD11-related condition.
Inborn genetic diseases. Identifiers: MedGen C0950123, MeSH D030342.
KBG syndrome (KBGS). Also called: ANKRD11-Related KBG Syndrome. Identifiers: Orphanet 2332, MedGen C0220687, MONDO:0007846, OMIM 148050.

Allele frequency attached by ClinVar (database versions not stated): TOPMed 0.00038; 1000 Genomes Project 30x 0.00047.
gnomAD v4.1: 83 of 1,431,038 alleles (0.0058%); highest among the groups gnomAD compares: African/African-American, 0.095%; no homozygotes.

Submissions (5):

Labcorp Genetics (formerly Invitae), Labcorp
Classification: Likely benign for KBG syndrome. Last evaluated: 2025-09-24. Review status: criteria provided, single submitter. Criteria: Invitae Variant Classification Sherloc (09022015). Collection method: clinical testing. Allele origin: germline.

Ambry Genetics
Classification: Likely benign for Inborn genetic diseases. Last evaluated: 2025-06-09. Review status: criteria provided, single submitter. Criteria: Ambry Variant Classification Scheme 2023. Collection method: clinical testing. Allele origin: germline.

Blueprint Genetics
Classification: Likely benign. Last evaluated: 2023-12-07. Review status: criteria provided, single submitter. Criteria: ACMG Guidelines, 2015. Collection method: clinical testing. Allele origin: germline.

GeneDx
Classification: Likely benign. Last evaluated: 2019-05-28. Review status: criteria provided, single submitter. Criteria: GeneDx Variant Classification Process June 2021. Collection method: clinical testing. Allele origin: germline. Affected: yes.

PreventionGenetics, part of Exact Sciences
Classification: Likely benign for ANKRD11-related condition. Last evaluated: 2023-02-22. Review status: no assertion criteria provided. Collection method: clinical testing. Allele origin: germline. Not counted in ClinVar's aggregate classification.
Comment: This variant is classified as likely benign based on ACMG/AMP sequence variant interpretation guidelines (Richards et al. 2015 PMID: 25741868, with internal and published modifications).